The following is an entry in ClinVar:

NM_005560.6(LAMA5):c.4599C>T (p.Pro1533=)

Gene: LAMA5 (laminin subunit alpha 5; minus strand). Cytogenetic location: 20q13.33.
Variant type: single nucleotide variant.
Coding change: c.4599C>T on transcript NM_005560.6 (MANE Select); coding-DNA position 4599, C replaced by T.
Protein change: p.Pro1533=; no amino-acid change (proline 1533 retained).
Molecular consequence: synonymous variant.
Genome position (GRCh38, 1-based): chr20:62,328,294, G>A on the plus strand (C>T on the coding strand, the complement: LAMA5 is on the minus strand). VCF-style: chr20-62328294-G-A. GRCh37 (hg19) VCF-style: chr20-60903350-G-A.
Identifiers: ClinVar variation 1624504 (VCV001624504.33), dbSNP rs138240481, ClinGen allele CA9942553.

ClinVar aggregate classification (germline): Benign/Likely benign. Review status: criteria provided, multiple submitters, no conflicts (2 of 4 stars). 3 submissions from 3 submitters: Benign (2); Likely benign (1). Last evaluated 2026-02-01.

Allele frequency attached by ClinVar (database versions not stated): ESP Exome Variant Server 0.00046; gnomAD 0.00060 and 0.00061; 1000 Genomes Project 0.00080; gnomAD exomes 0.00091; ExAC 0.00092; 1000 Genomes Project 30x 0.00094.
gnomAD v4.1: 848 of 1,607,652 alleles (0.053%); highest among the groups gnomAD compares: Admixed American, 0.015%; 14 homozygotes.

Submissions (3):

Labcorp Genetics (formerly Invitae), Labcorp
Classification: Benign. Last evaluated: 2026-02-01. Review status: criteria provided, single submitter. Criteria: Invitae Variant Classification Sherloc (09022015). Collection method: clinical testing. Allele origin: germline.

CeGaT Center for Human Genetics Tuebingen
Classification: Likely benign. Last evaluated: 2022-08-01. Review status: criteria provided, single submitter. Criteria: CeGaT Center For Human Genetics Tuebingen Variant Classification Criteria Version 2. Collection method: clinical testing. Allele origin: germline. Affected: yes. Observed: 1 variant allele.
Comment: LAMA5: BP4, BP7

Breakthrough Genomics
Classification: Benign. Review status: criteria provided, single submitter. Criteria: ACMG Guidelines, 2015. Collection method: not provided. Allele origin: germline. Inheritance: Autosomal recessive inheritance. Affected: yes.